The following is an entry in ClinVar:

ClinVar aggregate classification (germline): Pathogenic/Likely pathogenic. Review status: criteria provided, multiple submitters, no conflicts (2 of 4 stars). 10 submissions from 10 submitters: Pathogenic (3); Likely pathogenic (3). 4 of the submissions do not count toward it. Last evaluated 2025-10-29.

Conditions:
Rare genetic deafness. Identifiers: Orphanet 96210, MedGen C5680250.
Pituitary adenoma 5, multiple types. Identifiers: MedGen C4539685, MONDO:0054601, OMIM 617540.
CDH23-related disorder. Also called: CDH23-related condition; CDH23-related disorders.
Usher syndrome type 1D (USH1D). Also called: USHER SYNDROME, TYPE ID. Identifiers: Orphanet 231169, Orphanet 886, MedGen C1832845, MONDO:0010984, OMIM 601067.
Autosomal recessive nonsyndromic hearing loss 12. Also called: DEAFNESS, AUTOSOMAL RECESSIVE 12. Identifiers: Orphanet 90636, MedGen C1832394, MONDO:0011067, OMIM 601386.
Usher syndrome type 1 (USH1). Also called: RETINITIS PIGMENTOSA AND CONGENITAL DEAFNESS. Identifiers: Orphanet 231169, Orphanet 886, MedGen C1568247, MONDO:0010168, OMIM 276900.

Allele frequency attached by ClinVar (database versions not stated): gnomAD 0.00001 and 0.00002; gnomAD exomes 0.00002 and 0.00003; ExAC 0.00005; ESP Exome Variant Server 0.00008; 1000 Genomes Project 30x 0.00016; 1000 Genomes Project 0.00020.
gnomAD v4.1: 32 of 1,612,166 alleles (0.002%); highest among the groups gnomAD compares: Middle Eastern, 0.017%; no homozygotes.

Submissions (11):

Natera, Inc.
Classification: Pathogenic for Usher syndrome type 1. Last evaluated: 2025-10-29. Review status: criteria provided, single submitter. Criteria: Natera Variant Classification Schema (03/2026). Collection method: clinical testing. Allele origin: germline.
Comment: The c.6049G>A variant in CDH23 is a missense variant predicted to cause substitution of glycine to serine at amino acid 2017. This variant is rare in the general population with a frequency below the threshold expected for the associated phenotype(s). This variant has been observed in one or more individuals affected with the associated recessive disease, as either homozygous or compound heterozygous with a second variant (PMID: 30459346, 27460420, 23451239, 16679490, 35020051). Functional studies show that this variant may disrupt protein function (PMID: 23451239). Computational prediction algorithms indicate this variant is likely to affect gene or protein function. Given the available evidence, this variant is classified as Pathogenic.

Labcorp Genetics (formerly Invitae), Labcorp
Classification: Pathogenic. Last evaluated: 2024-06-10. Review status: criteria provided, single submitter. Criteria: Invitae Variant Classification Sherloc (09022015). Collection method: clinical testing. Allele origin: germline.
Comment: This sequence change replaces glycine, which is neutral and non-polar, with serine, which is neutral and polar, at codon 2017 of the CDH23 protein (p.Gly2017Ser). This variant also falls at the last nucleotide of exon 46, which is part of the consensus splice site for this exon. This variant is present in population databases (rs183431253, gnomAD 0.02%). This missense change has been observed in individuals with Usher syndrome (PMID: 18323324, 23451239, 25404053). ClinVar contains an entry for this variant (Variation ID: 46000). Experimental studies and prediction algorithms are not available or were not evaluated, and the functional significance of this variant is currently unknown. Studies have shown that this missense change alters CDH23 gene expression (PMID: 23451239). Variants that disrupt the consensus splice site are a relatively common cause of aberrant splicing (PMID: 17576681, 9536098). Algorithms developed to predict the effect of sequence changes on RNA splicing suggest that this variant may disrupt the consensus splice site. For these reasons, this variant has been classified as Pathogenic.

Baylor Genetics
Classification: Pathogenic for Pituitary adenoma 5, multiple types. Last evaluated: 2023-09-25. Review status: criteria provided, single submitter. Criteria: ACMG Guidelines, 2015. Collection method: clinical testing. Allele origin: unknown.

GeneDx
Classification: Likely pathogenic. Last evaluated: 2021-07-13. Review status: criteria provided, single submitter. Criteria: GeneDx Variant Classification Process June 2021. Collection method: clinical testing. Allele origin: germline. Affected: yes.
Comment: Published functional studies demonstrate a damaging splicing effect with skipping of exon 46 likely resulting in nonsense-mediated decay (Aparisi et al., 2013); In silico analysis supports a deleterious effect on splicing; This variant is associated with the following publications: (PMID: 32488467, 23451239, 16679490, 27535533, 18429043, 25404053, 18323324, 25525159)

Fulgent Genetics
Classification: Likely pathogenic for Usher syndrome type 1D; Autosomal recessive nonsyndromic hearing loss 12; Pituitary adenoma 5, multiple types. Last evaluated: 2018-10-31. Review status: criteria provided, single submitter. Criteria: ACMG Guidelines, 2015. Collection method: clinical testing. Allele origin: unknown.

Laboratory for Molecular Medicine, Mass General Brigham Personalized Medicine
Classification: Likely pathogenic for Rare genetic deafness. Last evaluated: 2011-11-23. Review status: criteria provided, single submitter. Criteria: LMM Criteria. Collection method: clinical testing. Allele origin: germline. Inheritance: Autosomal recessive inheritance. Observed: 2 variant alleles.
Comment: The Gly2017Ser variant in CDH23 has been reported in 2 probands with Usher synd rome type I and was absent from 192 control chromosomes (Oshima 2008, Roux 2006) . One of these probands was homozygous and the other was compound heterozygous w ith another pathogenic CDH23 variant. The Gly2017Ser variant occurs in the last base of the exon. This position has been shown to be part of the splicing consen sus sequence and splicing prediction models predict that this variant could affe ct splicing. In summary, this variant is likely to be pathogenic.

PreventionGenetics, part of Exact Sciences
Classification: Likely pathogenic for CDH23-related condition. Last evaluated: 2024-06-17. Review status: no assertion criteria provided. Collection method: clinical testing. Allele origin: germline. Not counted in ClinVar's aggregate classification.
Comment: The CDH23 c.6049G>A variant is predicted to result in the amino acid substitution p.Gly2017Ser. This variant has been reported in patients with autosomal recessive Usher syndrome (Aparisi et al 2014. PubMed ID: 25404053; Colombo et al 2021. PubMed ID: 33576794; Table S5, Roux et al 2006. PubMed ID: 16679490; Aparisi et al 2013. PubMed ID: 23451239; Oshima et al 2008. PubMed ID: 18429043). This variant occurs at the last nucleotide of exon 46, and functional in vitro assays have shown that it results in exon skipping while RT-PCR results from nasal epithelial cells found no evidence of the transcript lacking exon 46, suggestive of nonsense mediated decay (Aparisi et al 2013. PubMed ID: 23451239). This variant is reported in 0.020% of alleles in individuals of African descent in gnomAD. This variant is interpreted as likely pathogenic.

Clinical Genetics, Academic Medical Center
Classification: Likely pathogenic. Review status: no assertion criteria provided. Collection method: clinical testing. Allele origin: germline. Affected: yes. Study: VKGL Data-share Consensus. Not counted in ClinVar's aggregate classification.

Dr. Peter K. Rogan Lab, Western University
No classification provided (evidence only). Condition: Familial cancer of breast. Review status: no classification provided. Collection method: in vitro. Allele origin: not applicable. Functional consequence: retained intron. Not counted in ClinVar's aggregate classification.

Joint Genome Diagnostic Labs from Nijmegen and Maastricht, Radboudumc and MUMC+
Classification: Likely pathogenic. Review status: no assertion criteria provided. Collection method: clinical testing. Allele origin: germline. Affected: yes. Study: VKGL Data-share Consensus. Not counted in ClinVar's aggregate classification.

Ocular Genomics Institute, Massachusetts Eye and Ear
Classification: Uncertain significance for Usher syndrome type 1D. Last evaluated: 2021-04-08. Review status: flagged submission. Criteria: ACMG Guidelines, 2015. Collection method: research. Allele origin: germline. Affected: yes. Not counted in ClinVar's aggregate classification.
Comment: Through a review of available evidence we were able to apply the following criteria: PM2, PM3, PP3. Based on this evidence we have classified this variant as Variant of Uncertain Significance.
ClinVar note: Reason: Outlier claim with insufficient supporting evidence

Literature cited by the submitters: PubMed 30459346 (cited by Natera, Inc.); PubMed 27460420 (cited by Natera, Inc.); PubMed 23451239 (cited by Natera, Inc. and Labcorp Genetics (formerly Invitae), Labcorp); PubMed 16679490 (cited by 3 submitters); PubMed 35020051 (cited by Natera, Inc.); PubMed 18323324 (cited by Labcorp Genetics (formerly Invitae), Labcorp); PubMed 25404053 (cited by Labcorp Genetics (formerly Invitae), Labcorp); PubMed 17576681 (cited by Labcorp Genetics (formerly Invitae), Labcorp); PubMed 9536098 (cited by Labcorp Genetics (formerly Invitae), Labcorp); PubMed 18429043 (cited by Laboratory for Molecular Medicine, Mass General Brigham Personalized Medicine and Ocular Genomics Institute, Massachusetts Eye and Ear); PubMed 25525159 (cited by Ocular Genomics Institute, Massachusetts Eye and Ear).

NM_022124.6(CDH23):c.6049G>A (p.Gly2017Ser)

Gene: CDH23 (cadherin related 23; plus strand). Cytogenetic location: 10q22.1.
Variant type: single nucleotide variant.
Coding change: c.6049G>A on transcript NM_022124.6 (MANE Select); coding-DNA position 6049, G replaced by A.
Protein change: p.Gly2017Ser; replaces glycine 2017 with serine.
Molecular consequence: missense variant.
Genome position (GRCh38, 1-based): chr10:71,790,413, G>A. VCF-style: chr10-71790413-G-A. GRCh37 (hg19) VCF-style: chr10-73550170-G-A.
Other names: short protein forms G2017S.
Identifiers: ClinVar variation 46000 (VCV000046000.21), dbSNP rs183431253, ClinGen allele CA261792.